The following is an entry in ClinVar:

NM_153717.3(EVC):c.2149_2155del (p.Thr717fs)

Gene: EVC (EvC ciliary complex subunit 1; plus strand). Cytogenetic location: 4p16.2.
Variant type: Deletion.
Coding change: c.2149_2155del on transcript NM_153717.3 (MANE Select); coding-DNA positions 2149 to 2155, 7 bases deleted (ACACGGC; older notation c.2149_2155delACACGGC).
Protein change: p.Thr717fs; shifts the reading frame from threonine 717.
Molecular consequence: frameshift variant.
Genome position (GRCh38, 1-based): chr4:5,798,637-5,798,643, ACACGGC deleted. VCF-style (leftmost placement, unchanged base first): chr4-5798636-GACACGGC-G. GRCh37 (hg19) VCF-style: chr4-5800363-GACACGGC-G.
Other names: c.2149_2155del, p.Thr717fs (NM_001306090.2); short protein forms T717fs.
Identifiers: ClinVar variation 5014745 (VCV005014745.1).
Genomic context (GRCh38, chr4:5,798,636, plus strand): 5'-TCCCTCCCAGGAGGCGCGTGTGCTGGAGGAGGCCAGCCGGCTAGAGGAGGAAGCACAGCA[GACACGGC>G]TGCAGCTCCAGCAGCGGCTCCTGGCCGAGGCCCAGGAGGTGGGGCAGCTTCTGCAGCAGC-3'

ClinVar aggregate classification (germline): Pathogenic (1 of 4 stars; one submission).

Conditions:
Ellis-van Creveld syndrome (EVC). Also called: MESOECTODERMAL DYSPLASIA; Chondroectodermal dysplasia. Identifiers: Orphanet 289, MedGen C0013903, MONDO:0009162, OMIM 225500.

Submission:

Myriad Genetics, Inc.
Classification: Pathogenic for Ellis-van Creveld syndrome. Last evaluated: 2025-07-20. Review status: criteria provided, single submitter. Criteria: Myriad Autosomal Dominant, Autosomal Recessive and X-Linked Classification Criteria (2023). Collection method: clinical testing. Allele origin: unknown.
Comment: NM_153717.2(EVC):c.2149_2155del7(T717Cfs*53) is expected to be pathogenic in the context of EVC-related Ellis-van Creveld syndrome. This variant is predicted to lead to an abnormal or absent protein product due to the creation of a premature termination codon in EVC, a gene where loss-of-function variants are known to be pathogenic. Please note: this variant was assessed in the context of healthy population screening.